The following is an entry in ClinVar:

ClinVar aggregate classification (germline): Benign/Likely benign. Review status: criteria provided, multiple submitters, no conflicts (2 of 4 stars). 20 submissions from 19 submitters: Benign (10); Likely benign (4). 6 of the submissions do not count toward it. Last evaluated 2026-02-04.

Conditions:
Cardiovascular phenotype. Identifiers: MedGen CN230736.
Naxos disease (NXD). Also called: KERATOSIS PALMOPLANTARIS WITH ARRHYTHMOGENIC CARDIOMYOPATHY; MAL DE NAXOS; PALMOPLANTAR KERATODERMA WITH ARRHYTHMOGENIC RIGHT VENTRICULAR CARDIOMYOPATHY AND WOOLLY HAIR; WOOLLY HAIR, PALMOPLANTAR KERATODERMA, AND CARDIAC ABNORMALITIES; CARDIOMYOPATHY, ARRHYTHMOGENIC RIGHT VENTRICULAR, WITH SKIN, HAIR, AND NAIL ABNORMALITIES. Identifiers: Orphanet 34217, MedGen C1832600, MONDO:0011017, OMIM 601214.
Arrhythmogenic right ventricular dysplasia 12. Also called: ARRHYTHMOGENIC RIGHT VENTRICULAR DYSPLASIA, FAMILIAL, 12. Identifiers: MedGen C1969081, MONDO:0012684, OMIM 611528.
Cardiomyopathy (CMYO). Also called: Cardiomyopathies. Identifiers: Orphanet 167848, MedGen C0878544, MONDO:0004994, HP:0001638. Inheritance: Various modes of inheritance.

Allele frequency attached by ClinVar (database versions not stated): 1000 Genomes Project 0.02396; 1000 Genomes Project 30x 0.02452; TOPMed 0.03693; gnomAD 0.03910 and 0.03930; ESP Exome Variant Server 0.04221; gnomAD exomes 0.04371; ExAC 0.04974.
gnomAD v4.1: 78,591 of 1,612,690 alleles (4.9%); highest among the groups gnomAD compares: Middle Eastern, 9.7%; 2,175 homozygotes.

Submissions (20):

Labcorp Genetics (formerly Invitae), Labcorp
Classification: Benign for Arrhythmogenic right ventricular dysplasia 12; Naxos disease. Last evaluated: 2026-02-04. Review status: criteria provided, single submitter. Criteria: Invitae Variant Classification Sherloc (09022015). Collection method: clinical testing. Allele origin: germline.

Molecular Diagnostic Laboratory for Inherited Cardiovascular Disease, Montreal Heart Institute
Classification: Benign. Last evaluated: 2025-04-08. Review status: criteria provided, single submitter. Criteria: ACMG Guidelines, 2015. Collection method: clinical testing. Allele origin: germline. Affected: no.
Comment: BS1

Blueprint Genetics
Classification: Benign. Last evaluated: 2024-11-27. Review status: criteria provided, single submitter. Criteria: ACMG Guidelines, 2015. Collection method: clinical testing. Allele origin: germline.

Illumina Laboratory Services, Illumina
Classification: Likely benign for Naxos disease. Last evaluated: 2018-01-13. Review status: criteria provided, single submitter. Criteria: ICSL Variant Classification Criteria 13 December 2019. Collection method: clinical testing. Allele origin: germline.
Comment: This variant was observed in the ICSL laboratory as part of a predisposition screen in an ostensibly healthy population. It had not been previously curated by ICSL or reported in the Human Gene Mutation Database (HGMD: prior to June 1st, 2018), and was therefore a candidate for classification through an automated scoring system. Utilizing variant allele frequency, disease prevalence and penetrance estimates, and inheritance mode, an automated score was calculated to assess if this variant is too frequent to cause the disease. Based on the score and internal cut-off values, a variant classified as likely benign is not then subjected to further curation. The score for this variant resulted in a classification of likely benign for this disease.

Illumina Laboratory Services, Illumina
Classification: Benign for Arrhythmogenic right ventricular dysplasia 12. Last evaluated: 2018-01-13. Review status: criteria provided, single submitter. Criteria: ICSL Variant Classification Criteria 13 December 2019. Collection method: clinical testing. Allele origin: germline.
Comment: This variant was observed in the ICSL laboratory as part of a predisposition screen in an ostensibly healthy population. It had not been previously curated by ICSL or reported in the Human Gene Mutation Database (HGMD: prior to June 1st, 2018), and was therefore a candidate for classification through an automated scoring system. Utilizing variant allele frequency, disease prevalence and penetrance estimates, and inheritance mode, an automated score was calculated to assess if this variant is too frequent to cause the disease. Based on the score and internal cut-off values, a variant classified as benign is not then subjected to further curation. The score for this variant resulted in a classification of benign for this disease.

Phosphorus, Inc.
Classification: Likely benign for Arrhythmogenic right ventricular dysplasia 12. Last evaluated: 2017-08-01. Review status: criteria provided, single submitter. Criteria: ACMG Guidelines, 2015. Collection method: clinical testing. Allele origin: germline. Observed: 2 variant alleles.

Eurofins Ntd Llc (ga)
Classification: Benign. Last evaluated: 2016-04-29. Review status: criteria provided, single submitter. Criteria: EGL Classification Definitions 2015. Collection method: clinical testing. Allele origin: germline. Observed: 1 variant allele, 1 heterozygote.

Ambry Genetics
Classification: Benign for Cardiovascular phenotype. Last evaluated: 2015-07-27. Review status: criteria provided, single submitter. Criteria: Ambry Variant Classification Scheme 2023. Collection method: clinical testing. Allele origin: germline.

GeneDx
Classification: Benign. Last evaluated: 2015-03-03. Review status: criteria provided, single submitter. Criteria: GeneDx Variant Classification Process June 2021. Collection method: clinical testing. Allele origin: germline. Affected: yes.
Comment: This variant is associated with the following publications: (PMID: 25445213, 19863551)

Mayo Clinic Laboratories, Mayo Clinic
Classification: Benign. Last evaluated: 2014-05-08. Review status: criteria provided, single submitter. Criteria: ACMG Guidelines, 2015. Collection method: clinical testing. Allele origin: germline. Observed: 129 variant alleles.

Biesecker Lab/Clinical Genomics Section, National Institutes of Health
Classification: Benign. Last evaluated: 2013-06-24. Review status: criteria provided, single submitter. Criteria: Ng et al. (Circ Cardiovasc Genet. 2013). Collection method: research. Allele origin: unknown. Observed: 54 variant alleles. Study: ClinSeq.
Comment: The study set was not selected for affection status in relation to any cancer. Pathogenicity categories were based on literature curation. See Pubmed ID:23861362 for details.

Medical sequencing

Laboratory for Molecular Medicine, Mass General Brigham Personalized Medicine
Classification: Benign. Last evaluated: 2011-09-16. Review status: criteria provided, single submitter. Criteria: LMM Criteria. Collection method: clinical testing. Allele origin: germline. Observed: 177 variant alleles.

Breakthrough Genomics
Classification: Likely benign. Review status: criteria provided, single submitter. Criteria: ACMG Guidelines, 2015. Collection method: not provided. Allele origin: germline. Inheritance: Autosomal recessive inheritance. Affected: yes.

PreventionGenetics, part of Exact Sciences
Classification: Likely benign. Review status: criteria provided, single submitter. Criteria: ACMG Guidelines, 2015. Collection method: clinical testing. Allele origin: germline.

Cohesion Phenomics
Classification: Benign for Cardiomyopathy. Last evaluated: 2022-09-23. Review status: no assertion criteria provided. Criteria: ACMG Guidelines, 2015. Collection method: clinical testing. Allele origin: germline. Affected: yes. Not counted in ClinVar's aggregate classification.

Clinical Genetics DNA and cytogenetics Diagnostics Lab, Erasmus MC, Erasmus Medical Center
Classification: Benign. Review status: no assertion criteria provided. Collection method: clinical testing. Allele origin: germline. Affected: yes. Study: VKGL Data-share Consensus. Not counted in ClinVar's aggregate classification.

Clinical Genetics, Academic Medical Center
Classification: Benign. Review status: no assertion criteria provided. Collection method: clinical testing. Allele origin: germline. Affected: yes. Study: VKGL Data-share Consensus. Not counted in ClinVar's aggregate classification.

Diagnostic Laboratory, Department of Genetics, University Medical Center Groningen
Classification: Benign. Review status: no assertion criteria provided. Collection method: clinical testing. Allele origin: germline. Affected: yes. Study: VKGL Data-share Consensus. Not counted in ClinVar's aggregate classification.

Genome Diagnostics Laboratory, University Medical Center Utrecht
Classification: Benign. Review status: no assertion criteria provided. Collection method: clinical testing. Allele origin: germline. Affected: yes. Study: VKGL Data-share Consensus. Not counted in ClinVar's aggregate classification.

Joint Genome Diagnostic Labs from Nijmegen and Maastricht, Radboudumc and MUMC+
Classification: Benign. Review status: no assertion criteria provided. Collection method: clinical testing. Allele origin: germline. Affected: yes. Study: VKGL Data-share Consensus. Not counted in ClinVar's aggregate classification.

Literature cited by the submitters: PubMed 19863551 (cited by Phosphorus, Inc.); PubMed 23861362 (cited by Phosphorus, Inc.); PubMed 26073755 (cited by Phosphorus, Inc.).

NM_002230.4(JUP):c.425G>A (p.Arg142His)

Gene: JUP (junction plakoglobin; minus strand). Cytogenetic location: 17q21.2.
Variant type: single nucleotide variant.
Coding change: c.425G>A on transcript NM_002230.4 (MANE Select); coding-DNA position 425, G replaced by A.
Protein change: p.Arg142His; replaces arginine 142 with histidine.
Molecular consequence: missense variant.
Genome position (GRCh38, 1-based): chr17:41,769,461, C>T on the plus strand (G>A on the coding strand, the complement: JUP is on the minus strand). VCF-style: chr17-41769461-C-T. GRCh37 (hg19) VCF-style: chr17-39925713-C-T.
Other names: c.425G>A (NM_002230.3); c.425G>A, p.Arg142His (NM_001352773.2, NM_001352774.2, NM_001352775.2 and 3 more transcripts); short protein forms R142H.
Identifiers: ClinVar variation 45851 (VCV000045851.41), dbSNP rs41283425, ClinGen allele CA137213.